The following is an entry in ClinVar:

ClinVar aggregate classification (germline): Likely benign. Review status: criteria provided, multiple submitters, no conflicts (2 of 4 stars). 4 submissions from 4 submitters: Likely benign (3). 1 of the submissions does not count toward it. Last evaluated 2026-01-13.

Conditions:
TONSL-related disorder. Also called: TONSL-related condition.

Allele frequency attached by ClinVar (database versions not stated): 1000 Genomes Project 30x 0.00016; 1000 Genomes Project 0.00020; TOPMed 0.00042; gnomAD exomes 0.00056 and 0.00062; gnomAD 0.00066 and 0.00067; ESP Exome Variant Server 0.00069; ExAC 0.00074.
gnomAD v4.1: 926 of 1,614,046 alleles (0.057%); highest among the groups gnomAD compares: Middle Eastern, 0.13%; 1 homozygote.

Submissions (4):

Labcorp Genetics (formerly Invitae), Labcorp
Classification: Likely benign. Last evaluated: 2026-01-13. Review status: criteria provided, single submitter. Criteria: Invitae Variant Classification Sherloc (09022015). Collection method: clinical testing. Allele origin: germline.

Blueprint Genetics
Classification: Likely benign. Last evaluated: 2024-11-08. Review status: criteria provided, single submitter. Criteria: ACMG Guidelines, 2015. Collection method: clinical testing. Allele origin: germline.

Breakthrough Genomics
Classification: Likely benign. Review status: criteria provided, single submitter. Criteria: ACMG Guidelines, 2015. Collection method: not provided. Allele origin: germline. Inheritance: Autosomal recessive inheritance. Affected: yes.

PreventionGenetics, part of Exact Sciences
Classification: Likely benign for TONSL-related condition. Last evaluated: 2023-10-26. Review status: no assertion criteria provided. Collection method: clinical testing. Allele origin: germline. Not counted in ClinVar's aggregate classification.
Comment: This variant is classified as likely benign based on ACMG/AMP sequence variant interpretation guidelines (Richards et al. 2015 PMID: 25741868, with internal and published modifications).

NM_013432.5(TONSL):c.3809+9C>G

Gene: TONSL (tonsoku like, DNA repair protein; minus strand). Cytogenetic location: 8q24.3.
Variant type: single nucleotide variant.
Coding change: c.3809+9C>G on transcript NM_013432.5 (MANE Select); 9 bases into the intron after coding-DNA position 3809, C replaced by G.
Molecular consequence: intron variant.
Genome position (GRCh38, 1-based): chr8:144,431,069, G>C on the plus strand (C>G on the coding strand, the complement: TONSL is on the minus strand). VCF-style: chr8-144431069-G-C. GRCh37 (hg19) VCF-style: chr8-145656452-G-C.
Other names: c.3809+9C>G (NM_013432.4).
Identifiers: ClinVar variation 1598212 (VCV001598212.12), dbSNP rs373594610, ClinGen allele CA4942375.
Genomic context (GRCh38, chr8:144,431,069, plus strand): 5'-TTCTCCCATAGGGTCCAGAGCCATGAGATCAGACCCCCAGGTCAGCAGGCAGCAGGGAAA[G>C]GGCGTTACCTGCACAGGTCTCTAACAGCCTTGTCCCCCAGGTGGTTTGCAGACAGGGTCA-3'